The following is an entry in ClinVar:

NM_018896.5(CACNA1G):c.4155C>G (p.Thr1385=)

Gene: CACNA1G (calcium voltage-gated channel subunit alpha1 G; plus strand). Cytogenetic location: 17q21.33.
Variant type: single nucleotide variant.
Coding change: c.4155C>G on transcript NM_018896.5 (MANE Select); coding-DNA position 4155, C replaced by G.
Protein change: p.Thr1385=; no amino-acid change (threonine 1385 retained).
Molecular consequence: synonymous variant. On other transcripts: non-coding transcript variant (5).
Genome position (GRCh38, 1-based): chr17:50,603,185, C>G. VCF-style: chr17-50603185-C-G. GRCh37 (hg19) VCF-style: chr17-48680546-C-G.
Other names: c.4155C>G, p.Thr1385= (NM_001256324.2, NM_001256325.2, NM_001256326.2 and 16 more transcripts); c.4086C>G, p.Thr1362= (NM_001256332.2, NM_198376.3, NM_198379.3 and 5 more transcripts).
Identifiers: ClinVar variation 1302825 (VCV001302825.31), dbSNP rs201226731, ClinGen allele CA8652943.
Genomic context (GRCh38, chr17:50,603,185, plus strand): 5'-GGTCTCTGACAGCGGCACCAAGATCCTGGGCATGCTGAGGGTGCTGCGGCTGCTGCGGAC[C>G]CTGCGCCCGCTCAGGTGACTCCCTCCCCAGCACTGGAACACCTCCAAGAGGTGGCCCCCT-3'
Protein context (NP_061496.2, residues 1375-1395): GMLRVLRLLR[Thr1385=]LRPLRVISRA

ClinVar aggregate classification (germline): Benign/Likely benign. Review status: criteria provided, multiple submitters, no conflicts (2 of 4 stars). 3 submissions from 3 submitters: Benign (2); Likely benign (1). Last evaluated 2025-02-25.

Allele frequency attached by ClinVar (database versions not stated): gnomAD exomes 0.00004 and 0.00016; 1000 Genomes Project 0.00020; ExAC 0.00025; 1000 Genomes Project 30x 0.00031; gnomAD 0.00042 and 0.00045; ESP Exome Variant Server 0.00062.
gnomAD v4.1: 126 of 1,604,714 alleles (0.0079%); highest among the groups gnomAD compares: African/African-American, 0.15%; 1 homozygote.

Submissions (3):

Labcorp Genetics (formerly Invitae), Labcorp
Classification: Benign. Last evaluated: 2025-02-25. Review status: criteria provided, single submitter. Criteria: Invitae Variant Classification Sherloc (09022015). Collection method: clinical testing. Allele origin: germline.

CeGaT Center for Human Genetics Tuebingen
Classification: Likely benign. Last evaluated: 2023-11-01. Review status: criteria provided, single submitter. Criteria: CeGaT Center For Human Genetics Tuebingen Variant Classification Criteria Version 2. Collection method: clinical testing. Allele origin: germline. Affected: yes. Observed: 1 variant allele.
Comment: CACNA1G: BP4, BP7

GeneDx
Classification: Benign. Last evaluated: 2021-07-07. Review status: criteria provided, single submitter. Criteria: GeneDx Variant Classification Process June 2021. Collection method: clinical testing. Allele origin: germline. Affected: yes.